The following is an entry in ClinVar:

ClinVar aggregate classification (germline): Likely benign (0 of 4 stars; one submission).

Conditions:
PLA2G4A-related disorder. Also called: PLA2G4A-related condition.

Allele frequency attached by ClinVar (database versions not stated): gnomAD exomes below 0.00001; TOPMed below 0.00001; gnomAD 0.00001.
gnomAD v4.1: 4 of 1,592,244 alleles (0.00025%); highest among the groups gnomAD compares: Non-Finnish European, 0.00034%; no homozygotes.

Submission:

PreventionGenetics, part of Exact Sciences
Classification: Likely benign for PLA2G4A-related condition. Last evaluated: 2019-09-17. Review status: no assertion criteria provided. Collection method: clinical testing. Allele origin: germline.
Comment: This variant is classified as likely benign based on ACMG/AMP sequence variant interpretation guidelines (Richards et al. 2015 PMID: 25741868, with internal and published modifications).

NM_024420.3(PLA2G4A):c.888G>A (p.Gly296=)

Gene: PLA2G4A (phospholipase A2 group IVA; plus strand). Cytogenetic location: 1q31.1.
Variant type: single nucleotide variant.
Coding change: c.888G>A on transcript NM_024420.3 (MANE Select); coding-DNA position 888, G replaced by A.
Protein change: p.Gly296=; no amino-acid change (glycine 296 retained).
Molecular consequence: synonymous variant.
Genome position (GRCh38, 1-based): chr1:186,939,200, G>A. VCF-style: chr1-186939200-G-A. GRCh37 (hg19) VCF-style: chr1-186908332-G-A.
Other names: c.708G>A, p.Gly236= (NM_001311193.2).
Identifiers: ClinVar variation 3039952 (VCV003039952.2), dbSNP rs1656057711, ClinGen allele CA422518067.
Genomic context (GRCh38, chr1:186,939,200, plus strand): 5'-TGAGTCTTTATGGAAGAAGAAAAGCTCTGGACAACCTGTCACCTTTACTGATATCTTTGG[G>A]ATGTTAATAGGAGAAACACTAATTCATAATGTAAGTTACAGTTCAATCTACACTGCTTTT-3'
Protein context (NP_077734.2, residues 286-306): GQPVTFTDIF[Gly296=]MLIGETLIHN